The following is an entry in ClinVar:

ClinVar aggregate classification (germline): Uncertain significance (1 of 4 stars; one submission).

Submission:

Ambry Genetics
Classification: Uncertain significance. Last evaluated: 2021-08-11. Review status: criteria provided, single submitter. Criteria: Ambry Variant Classification Scheme 2023. Collection method: clinical testing. Allele origin: germline.
Comment: The p.I2861T variant (also known as c.8582T>C), located in coding exon 63 of the PRKDC gene, results from a T to C substitution at nucleotide position 8582. The isoleucine at codon 2861 is replaced by threonine, an amino acid with similar properties. This amino acid position is conserved. Since supporting evidence is limited at this time, the clinical significance of this alteration remains unclear.

NM_006904.7(PRKDC):c.8582T>C (p.Ile2861Thr)

Genes: PRKDC (protein kinase, DNA-activated, catalytic subunit; minus strand), LOC121740717 (Sharpr-MPRA regulatory region 7649; plus strand). Cytogenetic location: 8q11.21.
Variant type: single nucleotide variant.
Coding change: c.8582T>C on transcript NM_006904.7 (MANE Select); coding-DNA position 8582, T replaced by C.
Protein change: p.Ile2861Thr; replaces isoleucine 2861 with threonine.
Molecular consequence: missense variant.
Genome position (GRCh38, 1-based): chr8:47,826,857, A>G on the plus strand (T>C on the coding strand, the complement: PRKDC is on the minus strand). VCF-style: chr8-47826857-A-G. GRCh37 (hg19) VCF-style: chr8-48739418-A-G.
Other names: c.8582T>C, p.Ile2861Thr (NM_001081640.2); short protein forms I2861T.
Identifiers: ClinVar variation 1763924 (VCV001763924.2), dbSNP rs2551866166, ClinGen allele CA371144238.